The following is an entry in ClinVar:

NM_005559.4(LAMA1):c.4914G>A (p.Ala1638=)

Gene: LAMA1 (laminin subunit alpha 1; minus strand). Cytogenetic location: 18p11.31.
Variant type: single nucleotide variant.
Coding change: c.4914G>A on transcript NM_005559.4 (MANE Select); coding-DNA position 4914, G replaced by A.
Protein change: p.Ala1638=; no amino-acid change (alanine 1638 retained).
Molecular consequence: synonymous variant.
Genome position (GRCh38, 1-based): chr18:6,993,735, C>T on the plus strand (G>A on the coding strand, the complement: LAMA1 is on the minus strand). VCF-style: chr18-6993735-C-T. GRCh37 (hg19) VCF-style: chr18-6993734-C-T.
Identifiers: ClinVar variation 3037006 (VCV003037006.2), dbSNP rs755383300, ClinGen allele CA8881743.

ClinVar aggregate classification (germline): Likely benign (0 of 4 stars; one submission).

Conditions:
LAMA1-related disorder. Also called: LAMA1-related disorders; LAMA1-related condition.

Allele frequency attached by ClinVar (database versions not stated): ExAC 0.00001; gnomAD 0.00002; TOPMed 0.00002; gnomAD exomes 0.00005.
gnomAD v4.1: 73 of 1,610,550 alleles (0.0045%); highest among the groups gnomAD compares: Non-Finnish European, 0.0056%; no homozygotes.

Submission:

PreventionGenetics, part of Exact Sciences
Classification: Likely benign for LAMA1-related condition. Last evaluated: 2020-10-14. Review status: no assertion criteria provided. Collection method: clinical testing. Allele origin: germline.
Comment: This variant is classified as likely benign based on ACMG/AMP sequence variant interpretation guidelines (Richards et al. 2015 PMID: 25741868, with internal and published modifications).